The following is an entry in ClinVar:

ClinVar aggregate classification (germline): Uncertain significance (1 of 4 stars; one submission).

Conditions:
Amyotrophic lateral sclerosis 27, juvenile (ALS27). Identifiers: MedGen C5830359, MONDO:0859529, OMIM 620285.

gnomAD v4.1: 4 of 1,614,036 alleles (0.00025%); highest among the groups gnomAD compares: African/African-American, 0.0027%; no homozygotes.

Submission:

Clinical Genomics Laboratory, Washington University in St. Louis
Classification: Uncertain significance for Amyotrophic lateral sclerosis 27, juvenile. Last evaluated: 2024-09-24. Review status: criteria provided, single submitter. Criteria: ACMG Guidelines, 2015. Collection method: clinical testing. Allele origin: germline.
Comment: The SPTLC1 c.*12G>A variant, reported above as NM_001281303.2:c.1402G>A (p.Gly468Arg) in the non-canonical transcript, to our knowledge, has not been reported in the medical literature. Computational predictors are uncertain as to the impact of this variant on SPTLC1 function. This variant does lie within the 3' UTR which may impact mRNA localization, stability, and translation. Due to limited information, and based on ACMG/AMP guidelines for variant interpretation (Richards S et al., PMID: 25741868), the clinical significance of this variant is uncertain at this time.

NM_006415.4(SPTLC1):c.*12G>A

Gene: SPTLC1 (serine palmitoyltransferase long chain base subunit 1; minus strand). Cytogenetic location: 9q22.31.
Variant type: single nucleotide variant.
Coding change: c.*12G>A on transcript NM_006415.4 (MANE Select); 12 bases downstream of the stop codon, G replaced by A.
Molecular consequence: 3 prime UTR variant. On other transcripts: missense variant (1).
Genome position (GRCh38, 1-based): chr9:92,032,453, C>T on the plus strand (G>A on the coding strand, the complement: SPTLC1 is on the minus strand). VCF-style: chr9-92032453-C-T. GRCh37 (hg19) VCF-style: chr9-94794735-C-T.
Other names: c.1402G>A, p.Gly468Arg (NM_001281303.2); c.*12G>A (NM_001368272.1, NM_001368273.1); short protein forms G468R.
Identifiers: ClinVar variation 3600479 (VCV003600479.1).